The following is an entry in ClinVar:

NM_004371.4(COPA):c.3541C>G (p.Pro1181Ala)

Gene: COPA (coat protein complex I subunit alpha; minus strand). Cytogenetic location: 1q23.2.
Variant type: single nucleotide variant.
Coding change: c.3541C>G on transcript NM_004371.4 (MANE Select); coding-DNA position 3541, C replaced by G.
Protein change: p.Pro1181Ala; replaces proline 1181 with alanine.
Molecular consequence: missense variant.
Genome position (GRCh38, 1-based): chr1:160,290,566, G>C on the plus strand (C>G on the coding strand, the complement: COPA is on the minus strand). VCF-style: chr1-160290566-G-C. GRCh37 (hg19) VCF-style: chr1-160260356-G-C.
Other names: c.3568C>G, p.Pro1190Ala (NM_001098398.2); short protein forms P1181A, P1190A.
Identifiers: ClinVar variation 2984924 (VCV002984924.3), dbSNP rs771515903, ClinGen allele CA343269101.
Genomic context (GRCh38, chr1:160,290,566, plus strand): 5'-AGATTTGACCTTTGAACTCAGGGGAATAGCAGGCCCCACTGAGTGGACACTTTTCTACTG[G>C]CTTTCCACGGTAGATGGGCCGATATGATGCAGCACAAATGTCAAAGGGGTTGTGCATGTC-3'
Protein context (NP_004362.2, residues 1171-1191): ASYRPIYRGK[Pro1181Ala]VEKCPLSGAC

ClinVar aggregate classification (germline): Uncertain significance (1 of 4 stars; one submission).

Conditions:
Autoimmune interstitial lung disease-arthritis syndrome. Also called: Autoinflammation and autoimmunity, systemic, with immune dysregulation. Identifiers: Orphanet 444092, MedGen C5975714, MONDO:0014629.

Allele frequency attached by ClinVar (database versions not stated): TOPMed below 0.00001.
gnomAD v4.1: 32 of 1,614,150 alleles (0.002%); highest among the groups gnomAD compares: Non-Finnish European, 0.0027%; no homozygotes.

Submission:

Labcorp Genetics (formerly Invitae), Labcorp
Classification: Uncertain significance for Autoimmune interstitial lung disease-arthritis syndrome. Last evaluated: 2025-04-17. Review status: criteria provided, single submitter. Criteria: Invitae Variant Classification Sherloc (09022015). Collection method: clinical testing. Allele origin: germline.
Comment: This sequence change replaces proline, which is neutral and non-polar, with alanine, which is neutral and non-polar, at codon 1181 of the COPA protein (p.Pro1181Ala). This variant is present in population databases (no rsID available, gnomAD 0.002%). This variant has not been reported in the literature in individuals affected with COPA-related conditions. ClinVar contains an entry for this variant (Variation ID: 2984924). Invitae Evidence Modeling of protein sequence and biophysical properties (such as structural, functional, and spatial information, amino acid conservation, physicochemical variation, residue mobility, and thermodynamic stability) indicates that this missense variant is not expected to disrupt COPA protein function with a negative predictive value of 80%. In summary, the available evidence is currently insufficient to determine the role of this variant in disease. Therefore, it has been classified as a Variant of Uncertain Significance.